The following is an entry in ClinVar:

ClinVar aggregate classification (germline): Benign/Likely benign. Review status: criteria provided, multiple submitters, no conflicts (2 of 4 stars). 4 submissions from 4 submitters: Benign (1); Likely benign (2). 1 of the submissions does not count toward it. Last evaluated 2026-01-22.

Conditions:
Mucopolysaccharidosis, MPS-II (MPS2). Also called: IDURONATE 2-SULFATASE DEFICIENCY; Mucopolysaccharidosis Type II; Attenuated MPS (subtype; formerly known as mild MPS II); Severe MPS II; I2S deficiency; MPS 2. Identifiers: Orphanet 580, Orphanet 79388, MedGen C0026705, MONDO:0010674, OMIM 309900.
Mucopolysaccharidosis, MPS-III-A (MPS3A). Also called: MUCOPOLYSACCHARIDOSIS, TYPE IIIA, ATTENUATED; HEPARAN SULFATE SULFATASE DEFICIENCY; SANFILIPPO SYNDROME A; SULFAMIDASE DEFICIENCY; Mucopolysaccharidosis, type IIIA; MPS IIIA (Sanfilippo Syndrome Type A). Identifiers: Orphanet 581, Orphanet 79269, MedGen C0086647, MONDO:0009655, OMIM 252900.

Allele frequency attached by ClinVar (database versions not stated): ExAC 0.00005; ESP Exome Variant Server 0.00009; gnomAD exomes 0.00009 and 0.00018; TOPMed 0.00010; gnomAD 0.00011 and 0.00013.
gnomAD v4.1: 206 of 1,188,300 alleles (0.017%); highest among the groups gnomAD compares: Non-Finnish European, 0.021%; no homozygotes.

Submissions (4):

Labcorp Genetics (formerly Invitae), Labcorp
Classification: Benign for Mucopolysaccharidosis, MPS-II. Last evaluated: 2026-01-22. Review status: criteria provided, single submitter. Criteria: Invitae Variant Classification Sherloc (09022015). Collection method: clinical testing. Allele origin: germline.

CeGaT Center for Human Genetics Tuebingen
Classification: Likely benign. Last evaluated: 2022-04-01. Review status: criteria provided, single submitter. Criteria: CeGaT Center For Human Genetics Tuebingen Variant Classification Criteria Version 2. Collection method: clinical testing. Allele origin: germline. Affected: yes. Observed: 1 variant allele.
Comment: IDS: BP4

Fulgent Genetics
Classification: Likely benign for Mucopolysaccharidosis, MPS-II. Last evaluated: 2021-08-19. Review status: criteria provided, single submitter. Criteria: ACMG Guidelines, 2015. Collection method: clinical testing. Allele origin: unknown.

Natera, Inc.
Classification: Likely benign for Mucopolysaccharidosis type IIIA. Last evaluated: 2020-12-29. Review status: no assertion criteria provided. Collection method: clinical testing. Allele origin: germline. Not counted in ClinVar's aggregate classification.

NM_000202.8(IDS):c.103+7C>T

Gene: IDS (iduronate 2-sulfatase; minus strand). Cytogenetic location: Xq28.
Variant type: single nucleotide variant.
Coding change: c.103+7C>T on transcript NM_000202.8 (MANE Select); 7 bases into the intron after coding-DNA position 103, C replaced by T.
Molecular consequence: intron variant.
Genome position (GRCh38, 1-based): chrX:149,505,028, G>A on the plus strand (C>T on the coding strand, the complement: IDS is on the minus strand). VCF-style: chrX-149505028-G-A. GRCh37 (hg19) VCF-style: chrX-148586558-G-A.
Other names: c.-124+7C>T (NM_001166550.4); c.103+7C>T (NM_006123.5).
Identifiers: ClinVar variation 772367 (VCV000772367.36), dbSNP rs369735286, ClinGen allele CA10537747.